The following is an entry in ClinVar:

ClinVar aggregate classification (germline): Benign. Review status: criteria provided, multiple submitters, no conflicts (2 of 4 stars). 3 submissions from 3 submitters: Benign (2). 1 of the submissions does not count toward it. Last evaluated 2020-01-16.

Conditions:
SPTBN5-related disorder. Also called: SPTBN5-related condition.

Allele frequency attached by ClinVar (database versions not stated): 1000 Genomes Project 30x 0.06480; 1000 Genomes Project 0.06569; ESP Exome Variant Server 0.07407; TOPMed 0.07616; gnomAD 0.08000 and 0.08117; gnomAD exomes 0.09654 and 0.10878; ExAC 0.09963.
gnomAD v4.1: 169,684 of 1,606,972 alleles (11%); highest among the groups gnomAD compares: South Asian, 14%; 9,859 homozygotes.

Submissions (3):

GeneDx
Classification: Benign. Last evaluated: 2020-01-16. Review status: criteria provided, single submitter. Criteria: GeneDx Variant Classification Process June 2021. Collection method: clinical testing. Allele origin: germline. Affected: yes.

Breakthrough Genomics
Classification: Benign. Review status: criteria provided, single submitter. Criteria: ACMG Guidelines, 2015. Collection method: not provided. Allele origin: germline. Inheritance: Unknown mechanism. Affected: yes.

PreventionGenetics, part of Exact Sciences
Classification: Benign for SPTBN5-related condition. Last evaluated: 2019-10-31. Review status: no assertion criteria provided. Collection method: clinical testing. Allele origin: germline. Not counted in ClinVar's aggregate classification.
Comment: This variant is classified as benign based on ACMG/AMP sequence variant interpretation guidelines (Richards et al. 2015 PMID: 25741868, with internal and published modifications).

NM_016642.4(SPTBN5):c.10320G>A (p.Glu3440=)

Gene: SPTBN5 (spectrin beta, non-erythrocytic 5; minus strand). Cytogenetic location: 15q15.1.
Variant type: single nucleotide variant.
Coding change: c.10320G>A on transcript NM_016642.4 (MANE Select); coding-DNA position 10320, G replaced by A.
Protein change: p.Glu3440=; no amino-acid change (glutamic acid 3440 retained).
Molecular consequence: synonymous variant.
Genome position (GRCh38, 1-based): chr15:41,852,851, C>T on the plus strand (G>A on the coding strand, the complement: SPTBN5 is on the minus strand). VCF-style: chr15-41852851-C-T. GRCh37 (hg19) VCF-style: chr15-42145049-C-T.
Identifiers: ClinVar variation 1183547 (VCV001183547.5), dbSNP rs55978013, ClinGen allele CA7501091.